The following is an entry in ClinVar:

NM_152722.5(HEPACAM):c.288A>C (p.Arg96=)

Gene: HEPACAM (hepatic and glial cell adhesion molecule; minus strand). Cytogenetic location: 11q24.2.
Variant type: single nucleotide variant.
Coding change: c.288A>C on transcript NM_152722.5 (MANE Select); coding-DNA position 288, A replaced by C.
Protein change: p.Arg96=; no amino-acid change (arginine 96 retained).
Molecular consequence: synonymous variant.
Genome position (GRCh38, 1-based): chr11:124,924,867, T>G on the plus strand (A>C on the coding strand, the complement: HEPACAM is on the minus strand). VCF-style: chr11-124924867-T-G. GRCh37 (hg19) VCF-style: chr11-124794763-T-G.
Other names: p.Arg96=.
Identifiers: ClinVar variation 303334 (VCV000303334.38), dbSNP rs36089266, ClinGen allele CA6345775.

ClinVar aggregate classification (germline): Benign/Likely benign. Review status: criteria provided, multiple submitters, no conflicts (2 of 4 stars). 8 submissions from 8 submitters: Benign (3); Likely benign (4). 1 of the submissions does not count toward it. Last evaluated 2025-12-09.

Conditions:
Megalencephalic leukoencephalopathy with subcortical cysts. Also called: VAN DER KNAAP DISEASE. Identifiers: Orphanet 2478, MedGen C1858854, MONDO:0011391.
HEPACAM-related disorder. Also called: HEPACAM-related condition.

Allele frequency attached by ClinVar (database versions not stated): gnomAD exomes 0.00031 and 0.00080; ExAC 0.00106; gnomAD 0.00366 and 0.00382; TOPMed 0.00396; ESP Exome Variant Server 0.00400; 1000 Genomes Project 0.00539; 1000 Genomes Project 30x 0.00640.

Submissions (8):

Labcorp Genetics (formerly Invitae), Labcorp
Classification: Benign. Last evaluated: 2025-12-09. Review status: criteria provided, single submitter. Criteria: Invitae Variant Classification Sherloc (09022015). Collection method: clinical testing. Allele origin: germline.

Mayo Clinic Laboratories, Mayo Clinic
Classification: Benign. Last evaluated: 2025-10-09. Review status: criteria provided, single submitter. Criteria: ACMG Guidelines, 2015. Collection method: clinical testing. Allele origin: germline. Observed: 1 variant allele.
Comment: BA1, BP4, BP7

CeGaT Center for Human Genetics Tuebingen
Classification: Likely benign. Last evaluated: 2025-03-01. Review status: criteria provided, single submitter. Criteria: CeGaT Center For Human Genetics Tuebingen Variant Classification Criteria Version 2. Collection method: clinical testing. Allele origin: germline. Affected: yes. Observed: 2 variant alleles.
Comment: HEPACAM: BP4, BP7, BS1

Blueprint Genetics
Classification: Likely benign. Last evaluated: 2023-05-11. Review status: criteria provided, single submitter. Criteria: ACMG Guidelines, 2015. Collection method: clinical testing. Allele origin: germline.

GeneDx
Classification: Likely benign. Last evaluated: 2020-12-25. Review status: criteria provided, single submitter. Criteria: GeneDx Variant Classification Process June 2021. Collection method: clinical testing. Allele origin: germline. Affected: yes.

Illumina Laboratory Services, Illumina
Classification: Benign for Megalencephalic leukoencephalopathy with subcortical cysts. Last evaluated: 2018-01-13. Review status: criteria provided, single submitter. Criteria: ICSL Variant Classification Criteria 13 December 2019. Collection method: clinical testing. Allele origin: germline.
Comment: This variant was observed in the ICSL laboratory as part of a predisposition screen in an ostensibly healthy population. It had not been previously curated by ICSL or reported in the Human Gene Mutation Database (HGMD: prior to June 1st, 2018), and was therefore a candidate for classification through an automated scoring system. Utilizing variant allele frequency, disease prevalence and penetrance estimates, and inheritance mode, an automated score was calculated to assess if this variant is too frequent to cause the disease. Based on the score and internal cut-off values, a variant classified as benign is not then subjected to further curation. The score for this variant resulted in a classification of benign for this disease.

Breakthrough Genomics
Classification: Likely benign. Review status: criteria provided, single submitter. Criteria: ACMG Guidelines, 2015. Collection method: not provided. Allele origin: germline. Inheritance: Autosomal recessive inheritance. Affected: yes.

PreventionGenetics, part of Exact Sciences
Classification: Benign for HEPACAM-related condition. Last evaluated: 2024-06-03. Review status: no assertion criteria provided. Collection method: clinical testing. Allele origin: germline. Not counted in ClinVar's aggregate classification.
Comment: This variant is classified as benign based on ACMG/AMP sequence variant interpretation guidelines (Richards et al. 2015 PMID: 25741868, with internal and published modifications).